The following is an entry in ClinVar:

ClinVar aggregate classification (germline): Uncertain significance. Review status: criteria provided, multiple submitters, no conflicts (2 of 4 stars). 2 submissions from 2 submitters: Uncertain significance (2). Last evaluated 2026-04-01.

Conditions:
Inborn genetic diseases. Identifiers: MedGen C0950123, MeSH D030342.

gnomAD v4.1: 5 of 1,613,914 alleles (0.00031%); highest among the groups gnomAD compares: Non-Finnish European, 0.00042%; no homozygotes.

Submissions (2):

CeGaT Center for Human Genetics Tuebingen
Classification: Uncertain significance. Last evaluated: 2026-04-01. Review status: criteria provided, single submitter. Criteria: CeGaT Center For Human Genetics Tuebingen Variant Classification Criteria Version 2. Collection method: clinical testing. Allele origin: germline. Affected: yes. Observed: 1 variant allele.
Comment: DNAH17: PM2

Ambry Genetics
Classification: Uncertain significance for Inborn genetic diseases. Last evaluated: 2025-11-19. Review status: criteria provided, single submitter. Criteria: Ambry Variant Classification Scheme 2023. Collection method: clinical testing. Allele origin: germline.

NM_173628.4(DNAH17):c.3968T>C (p.Leu1323Ser)

Gene: DNAH17 (dynein axonemal heavy chain 17; minus strand). Cytogenetic location: 17q25.3.
Variant type: single nucleotide variant.
Coding change: c.3968T>C on transcript NM_173628.4 (MANE Select); coding-DNA position 3968, T replaced by C.
Protein change: p.Leu1323Ser; replaces leucine 1323 with serine.
Molecular consequence: missense variant.
Genome position (GRCh38, 1-based): chr17:78,514,919, A>G on the plus strand (T>C on the coding strand, the complement: DNAH17 is on the minus strand). VCF-style: chr17-78514919-A-G. GRCh37 (hg19) VCF-style: chr17-76511001-A-G.
Other names: short protein forms L1323S.
Identifiers: ClinVar variation 4617571 (VCV004617571.3).
Genomic context (GRCh38, chr17:78,514,919, plus strand): 5'-ACGTTTTTCACGGTGTTGTCGAGCCCCACGAAGGCATCCCAGGTTTTCATCTCCTTGTCC[A>G]AAGACCTCATGTCCTTGGCAAACTTCTTACAATCTATGTCCATCTGCTCAACGTTGATAT-3'
Protein context (NP_775899.3, residues 1313-1333): CKKFAKDMRS[Leu1323Ser]DKEMKTWDAF